The following is an entry in ClinVar:

ClinVar aggregate classification (germline): Uncertain significance. Review status: criteria provided, multiple submitters, no conflicts (2 of 4 stars). 5 submissions from 5 submitters: Uncertain significance (5). Last evaluated 2024-12-08.

Conditions:
Inborn genetic diseases. Identifiers: MedGen C0950123, MeSH D030342.
Spermatogenic failure 28. Identifiers: MedGen C4748117, MONDO:0054732, OMIM 618086.
Premature ovarian failure 15. Identifiers: MedGen C4748170, MONDO:0054862, OMIM 618096.
Fanconi anemia (FA). Also called: Fanconi's anemia. Identifiers: Orphanet 84, MedGen C0015625, MeSH D005199, MONDO:0019391.

Allele frequency attached by ClinVar (database versions not stated): gnomAD 0.00001; gnomAD exomes 0.00001 and 0.00004; ExAC 0.00002; TOPMed 0.00002.
gnomAD v4.1: 11 of 1,611,644 alleles (0.00068%); highest among the groups gnomAD compares: Admixed American, 0.017%; no homozygotes.

Submissions (5):

Ambry Genetics
Classification: Uncertain significance for Inborn genetic diseases. Last evaluated: 2024-12-08. Review status: criteria provided, single submitter. Criteria: Ambry Variant Classification Scheme 2023. Collection method: clinical testing. Allele origin: germline.
Comment: The p.L329V variant (also known as c.985C>G), located in coding exon 5 of the FANCM gene, results from a C to G substitution at nucleotide position 985. The leucine at codon 329 is replaced by valine, an amino acid with highly similar properties. This amino acid position is conserved. In addition, this alteration is predicted to be tolerated by in silico analysis. Based on the available evidence, the clinical significance of this variant remains unclear.

GeneDx
Classification: Uncertain significance. Last evaluated: 2024-03-12. Review status: criteria provided, single submitter. Criteria: GeneDx Variant Classification Process June 2021. Collection method: clinical testing. Allele origin: germline. Affected: yes.
Comment: In silico analysis supports that this missense variant has a deleterious effect on protein structure/function; Has not been previously published as pathogenic or benign to our knowledge

Labcorp Genetics (formerly Invitae), Labcorp
Classification: Uncertain significance for Fanconi anemia. Last evaluated: 2024-03-06. Review status: criteria provided, single submitter. Criteria: Invitae Variant Classification Sherloc (09022015). Collection method: clinical testing. Allele origin: germline.
Comment: This sequence change replaces leucine, which is neutral and non-polar, with valine, which is neutral and non-polar, at codon 329 of the FANCM protein (p.Leu329Val). This variant is present in population databases (rs750311376, gnomAD 0.03%). This variant has not been reported in the literature in individuals affected with FANCM-related conditions. ClinVar contains an entry for this variant (Variation ID: 643203). An algorithm developed to predict the effect of missense changes on protein structure and function (PolyPhen-2) suggests that this variant¬†is likely to be tolerated. In summary, the available evidence is currently insufficient to determine the role of this variant in disease. Therefore, it has been classified as a Variant of Uncertain Significance.

Fulgent Genetics
Classification: Uncertain significance for Spermatogenic failure 28; Premature ovarian failure 15. Last evaluated: 2024-01-26. Review status: criteria provided, single submitter. Criteria: ACMG Guidelines, 2015. Collection method: clinical testing. Allele origin: germline.

Quest Diagnostics Nichols Institute San Juan Capistrano
Classification: Uncertain significance. Last evaluated: 2023-07-10. Review status: criteria provided, single submitter. Criteria: Quest Diagnostics criteria. Collection method: clinical testing. Allele origin: unknown.
Comment: This variant has not been reported in the published literature. The frequency of this variant in the general population, 0.00029 (10/34566 chromosomes (Genome Aggregation Database)), is uninformative in the assessment of its pathogenicity. Analysis of this variant using bioinformatics tools for the prediction of the effect of amino acid changes on protein structure and function yielded predictions that this variant is benign. Based on the available information, we are unable to determine the clinical significance of this variant.

NM_020937.4(FANCM):c.985C>G (p.Leu329Val)

Gene: FANCM (FA complementation group M; plus strand). Cytogenetic location: 14q21.2.
Variant type: single nucleotide variant.
Coding change: c.985C>G on transcript NM_020937.4 (MANE Select); coding-DNA position 985, C replaced by G.
Protein change: p.Leu329Val; replaces leucine 329 with valine.
Molecular consequence: missense variant.
Genome position (GRCh38, 1-based): chr14:45,151,463, C>G. VCF-style: chr14-45151463-C-G. GRCh37 (hg19) VCF-style: chr14-45620666-C-G.
Other names: c.907C>G, p.Leu303Val (NM_001308133.2); c.985C>G, p.Leu329Val (NM_001308134.2); c.985C>G (NM_020937.3); short protein forms L303V, L329V.
Identifiers: ClinVar variation 643203 (VCV000643203.11), dbSNP rs750311376, ClinGen allele CA7168901.